The following is an entry in ClinVar:

NM_021146.4(ANGPTL7):c.1034A>G (p.Lys345Arg)

Genes: ANGPTL7 (angiopoietin like 7; plus strand), MTOR (mechanistic target of rapamycin kinase; minus strand). Cytogenetic location: 1p36.22.
Variant type: single nucleotide variant.
Coding change: c.1034A>G on transcript NM_021146.4 (MANE Select); coding-DNA position 1034, A replaced by G.
Protein change: p.Lys345Arg; replaces lysine 345 with arginine.
Molecular consequence: missense variant. On other transcripts: intron variant (3).
Genome position (GRCh38, 1-based): chr1:11,195,016, A>G. VCF-style: chr1-11195016-A-G. GRCh37 (hg19) VCF-style: chr1-11255073-A-G.
Other names: c.3005+4242T>C (NM_001386501.1); c.4253+4242T>C (NM_004958.4, NM_001386500.1); short protein forms K345R.
Identifiers: ClinVar variation 2593124 (VCV002593124.7), dbSNP rs138507629, ClinGen allele CA590008.

ClinVar aggregate classification (germline): Conflicting classifications of pathogenicity. Review status: criteria provided, conflicting classifications (1 of 4 stars). 2 submissions from 2 submitters: Uncertain significance (1); Likely benign (1). Last evaluated 2026-03-01.

Allele frequency attached by ClinVar (database versions not stated): gnomAD 0.00027; ESP Exome Variant Server 0.00031; TOPMed 0.00047.
gnomAD v4.1: 147 of 1,613,598 alleles (0.0091%); highest among the groups gnomAD compares: African/African-American, 0.091%; no homozygotes.

Submissions (2):

CeGaT Center for Human Genetics Tuebingen
Classification: Likely benign. Last evaluated: 2026-03-01. Review status: criteria provided, single submitter. Criteria: CeGaT Center For Human Genetics Tuebingen Variant Classification Criteria Version 2. Collection method: clinical testing. Allele origin: germline. Affected: yes. Observed: 1 variant allele.
Comment: ANGPTL7: BP4

Ambry Genetics
Classification: Uncertain significance. Last evaluated: 2025-11-06. Review status: criteria provided, single submitter. Criteria: Ambry Variant Classification Scheme 2023. Collection method: clinical testing. Allele origin: germline.